The following is an entry in ClinVar:

ClinVar aggregate classification (germline): Likely pathogenic (1 of 4 stars; one submission).

Conditions:
Hypertrophic cardiomyopathy 1 (CMH1). Also called: Familial hypertrophic cardiomyopathy 1; MYH7-Related Familial Hypertrophic Cardiomyopathy. Identifiers: MedGen C3495498, MONDO:0008647, OMIM 192600.

Submission:

Molecular Genetics Department, Kulakov National Medical Research Center for Obstetrics, Gynecology and Perinatology
Classification: Likely pathogenic for Hypertrophic cardiomyopathy 1. Review status: criteria provided, single submitter. Criteria: ACMG Guidelines, 2015. Collection method: clinical testing. Allele origin: germline. Affected: yes.
Comment: A previously undescribed nucleotide variant creates a missense p.Ile457Lys in the MYH7 gene. Heterozygous variants are reported in patients with Cardiomyopathy, dilated, 1S, 613426, Cardiomyopathy, hypertrophic, 1, 192600, Congenital myopathy 7A, myosin storage, autosomal dominant, 608358, Left ventricular noncompaction 5, 613426. Oher missense variants were previously reported in patients with Ebstein anomaly [Postma et al., 2011, PMID: 21127202]. Different missense variants in the same position were reported in patients with hypertrophic cardiomyopathy: p.Ile457Arg [Zhang et al., 2021, PMID: 34330286], p.Ile457Thr [Waldmülleret al., 2011, PMID: 21750094; Fokstuen et al., 2011, PMID: 21239446; Murphy et al., 2016, PMID: 26914223]. The variant is not present in population database (gnomAD no frequency). In summary, the currently available evidence indicates that the variant is pathogenic, but additional data are needed to prove that conclusively. Therefore, this variant has been classified as likely pathogenic.

NM_000257.4(MYH7):c.1370T>A (p.Ile457Lys)

Gene: MYH7 (myosin heavy chain 7; minus strand). Cytogenetic location: 14q11.2.
Variant type: single nucleotide variant.
Coding change: c.1370T>A on transcript NM_000257.4 (MANE Select); coding-DNA position 1370, T replaced by A.
Protein change: p.Ile457Lys; replaces isoleucine 457 with lysine.
Molecular consequence: missense variant.
Genome position (GRCh38, 1-based): chr14:23,428,992, A>T on the plus strand (T>A on the coding strand, the complement: MYH7 is on the minus strand). VCF-style: chr14-23428992-A-T. GRCh37 (hg19) VCF-style: chr14-23898201-A-T.
Other names: c.1370T>A, p.Ile457Lys (NM_001407004.1); short protein forms I457K.
Identifiers: ClinVar variation 3062303 (VCV003062303.1), dbSNP rs397516103, ClinGen allele CA389050767.